The following is an entry in ClinVar:

NM_000397.4(CYBB):c.336T>C (p.Ser112=)

Gene: CYBB (cytochrome b-245 beta chain; plus strand). Cytogenetic location: Xp21.1.
Variant type: single nucleotide variant.
Coding change: c.336T>C on transcript NM_000397.4 (MANE Select); coding-DNA position 336, T replaced by C.
Protein change: p.Ser112=; no amino-acid change (serine 112 retained).
Molecular consequence: synonymous variant.
Genome position (GRCh38, 1-based): chrX:37,792,058, T>C. VCF-style: chrX-37792058-T-C. GRCh37 (hg19) VCF-style: chrX-37651311-T-C.
Identifiers: ClinVar variation 964277 (VCV000964277.5), dbSNP rs1447228298, ClinGen allele CA515670147.

ClinVar aggregate classification (germline): Uncertain significance. Review status: criteria provided, single submitter (1 of 4 stars). 2 submissions from 2 submitters: Uncertain significance (1). 1 of the submissions does not count toward it. Last evaluated 2025-04-20.

Conditions:
Granulomatous disease, chronic, X-linked. Also called: CYTOCHROME b-NEGATIVE GRANULOMATOUS DISEASE, CHRONIC, X-LINKED; GRANULOMATOUS DISEASE, CHRONIC, X-LINKED, SOMATIC MOSAIC. Identifiers: Orphanet 379, MedGen C1844376, MONDO:0010600, OMIM 306400.
Chronic granulomatous disease. Identifiers: Orphanet 379, MedGen C0018203, MONDO:0018305.

Allele frequency attached by ClinVar (database versions not stated): gnomAD exomes 0.00001; TOPMed 0.00002.

Submissions (2):

Labcorp Genetics (formerly Invitae), Labcorp
Classification: Uncertain significance for Granulomatous disease, chronic, X-linked. Last evaluated: 2025-04-20. Review status: criteria provided, single submitter. Criteria: Invitae Variant Classification Sherloc (09022015). Collection method: clinical testing. Allele origin: germline.
Comment: This sequence change affects codon 112 of the CYBB mRNA. It is a 'silent' change, meaning that it does not change the encoded amino acid sequence of the CYBB protein. It affects a nucleotide within the consensus splice site. This variant is not present in population databases (gnomAD no frequency). This variant has not been reported in the literature in individuals affected with CYBB-related conditions. ClinVar contains an entry for this variant (Variation ID: 964277). Algorithms developed to predict the effect of sequence changes on RNA splicing suggest that this variant is not likely to affect RNA splicing. In summary, the available evidence is currently insufficient to determine the role of this variant in disease. Therefore, it has been classified as a Variant of Uncertain Significance.

Natera, Inc.
Classification: Uncertain significance for Chronic granulomatous disease. Last evaluated: 2021-09-29. Review status: no assertion criteria provided. Collection method: clinical testing. Allele origin: germline. Not counted in ClinVar's aggregate classification.